The following is an entry in ClinVar:

NM_015474.4(SAMHD1):c.287del (p.Glu96fs)

Gene: SAMHD1 (SAM and HD domain containing deoxynucleoside triphosphate triphosphohydrolase 1; minus strand). Cytogenetic location: 20q11.23.
Variant type: Deletion.
Coding change: c.287del on transcript NM_015474.4 (MANE Select); coding-DNA position 287, one base deleted (A; older notation c.287delA).
Protein change: p.Glu96fs; shifts the reading frame from glutamic acid 96.
Molecular consequence: frameshift variant.
Genome position (GRCh38, 1-based): chr20:36,941,100, T deleted on the plus strand (A on the coding strand, the reverse complement: SAMHD1 is on the minus strand). VCF-style (leftmost placement, unchanged base first): chr20-36941099-CT-C. GRCh37 (hg19) VCF-style: chr20-35569502-CT-C.
Other names: c.287del, p.Glu96fs (NM_001363729.2, NM_001363733.2); short protein forms E96fs.
Identifiers: ClinVar variation 2966387 (VCV002966387.3), dbSNP rs2515272357, ClinGen allele CA2577388971.

ClinVar aggregate classification (germline): Pathogenic (1 of 4 stars; one submission).

Conditions:
Aicardi-Goutieres syndrome 5. Identifiers: Orphanet 51, MedGen C2749659, MONDO:0013059, OMIM 612952.

Submission:

Labcorp Genetics (formerly Invitae), Labcorp
Classification: Pathogenic for Aicardi-Goutieres syndrome 5. Last evaluated: 2023-08-17. Review status: criteria provided, single submitter. Criteria: Invitae Variant Classification Sherloc (09022015). Collection method: clinical testing. Allele origin: germline.
Comment: This variant has not been reported in the literature in individuals affected with SAMHD1-related conditions. For these reasons, this variant has been classified as Pathogenic. This sequence change creates a premature translational stop signal (p.Glu96Glyfs*20) in the SAMHD1 gene. It is expected to result in an absent or disrupted protein product. Loss-of-function variants in SAMHD1 are known to be pathogenic (PMID: 19525956, 22461318). This variant is not present in population databases (gnomAD no frequency).

Literature cited by the submitters: PubMed 19525956; PubMed 22461318.